The following is an entry in ClinVar:

ClinVar aggregate classification (germline): Uncertain significance (1 of 4 stars; one submission).

Conditions:
EP300-related disorder. Also called: EP300-related disorders; EP300-related condition.

Submission:

PreventionGenetics, part of Exact Sciences
Classification: Uncertain significance for EP300-related condition. Last evaluated: 2026-02-27. Review status: criteria provided, single submitter. Criteria: ACMG Guidelines, 2015. Collection method: clinical testing. Allele origin: germline.
Comment: The EP300 c.3137_3142del6 variant is predicted to result in an in-frame deletion (p.Lys1046_Lys1047del). To our knowledge, this variant has not been reported in the literature or in a large population database, indicating this variant is rare. At this time, the clinical significance of this variant is uncertain due to the absence of conclusive functional and genetic evidence.

NM_001429.4(EP300):c.3137_3142del (p.Lys1046_Lys1047del)

Genes: EP300 (EP300 lysine acetyltransferase; plus strand), LOC126863158 (BRD4-independent group 4 enhancer GRCh37_chr22:41547383-41548582; plus strand). Cytogenetic location: 22q13.2.
Variant type: Deletion.
Coding change: c.3137_3142del on transcript NM_001429.4 (MANE Select); coding-DNA positions 3137 to 3142, 6 bases deleted (AAAAGA; older notation c.3137_3142delAAAAGA).
Protein change: p.Lys1046_Lys1047del.
Molecular consequence: inframe deletion.
Genome position (GRCh38, 1-based): chr22:41,152,345-41,152,350, AAAAGA deleted; deleting any 6 consecutive bases within chr22:41,152,340-41,152,350 gives the same sequence; the c. name uses the placement nearest the transcript's 3' end. VCF-style (leftmost placement, unchanged base first): chr22-41152339-CAAAGAA-C. GRCh37 (hg19) VCF-style: chr22-41548343-CAAAGAA-C.
Other names: c.3059_3064del, p.Lys1020_Lys1021del (NM_001362843.2).
Identifiers: ClinVar variation 2633410 (VCV002633410.2), dbSNP rs2517801650, ClinGen allele CA2695200121.